The following is an entry in ClinVar:

ClinVar aggregate classification (germline): Uncertain significance (1 of 4 stars; one submission).

Conditions:
Inborn genetic diseases. Identifiers: MedGen C0950123, MeSH D030342.

gnomAD v4.1: 2 of 1,613,832 alleles (0.00012%); highest among the groups gnomAD compares: Non-Finnish European, 0.00017%; no homozygotes.

Submission:

Ambry Genetics
Classification: Uncertain significance for Inborn genetic diseases. Last evaluated: 2025-12-26. Review status: criteria provided, single submitter. Criteria: Ambry Variant Classification Scheme 2023. Collection method: clinical testing. Allele origin: germline.
Comment: The p.L162V variant (also known as c.484C>G), located in coding exon 4 of the MRAS gene, results from a C to G substitution at nucleotide position 484. The leucine at codon 162 is replaced by valine, an amino acid with highly similar properties. This amino acid position is conserved. In addition, this alteration is predicted to be tolerated by in silico analysis. Based on the available evidence, the clinical significance of this variant remains unclear.

NM_001085049.3(MRAS):c.484C>G (p.Leu162Val)

Gene: MRAS (muscle RAS oncogene homolog; plus strand). Cytogenetic location: 3q22.3.
Variant type: single nucleotide variant.
Coding change: c.484C>G on transcript NM_001085049.3 (MANE Select); coding-DNA position 484, C replaced by G.
Protein change: p.Leu162Val; replaces leucine 162 with valine.
Molecular consequence: missense variant.
Genome position (GRCh38, 1-based): chr3:138,400,570, C>G. VCF-style: chr3-138400570-C-G. GRCh37 (hg19) VCF-style: chr3-138119412-C-G.
Other names: c.484C>G, p.Leu162Val (NM_001252090.2, NM_012219.4); c.256C>G, p.Leu86Val (NM_001252091.1, NM_001252092.2, NM_001252093.2); short protein forms L86V, L162V.
Identifiers: ClinVar variation 4842879 (VCV004842879.1).